The following is an entry in ClinVar:

NM_000255.4(MMUT):c.260G>T (p.Gly87Val)

Gene: MMUT (methylmalonyl-CoA mutase; minus strand). Cytogenetic location: 6p12.3.
Variant type: single nucleotide variant.
Coding change: c.260G>T on transcript NM_000255.4 (MANE Select); coding-DNA position 260, G replaced by T.
Protein change: p.Gly87Val; replaces glycine 87 with valine.
Molecular consequence: missense variant.
Genome position (GRCh38, 1-based): chr6:49,459,207, C>A on the plus strand (G>T on the coding strand, the complement: MMUT is on the minus strand). VCF-style: chr6-49459207-C-A. GRCh37 (hg19) VCF-style: chr6-49426920-C-A.
Other names: short protein forms G87V.
Identifiers: ClinVar variation 4689380 (VCV004689380.1).

ClinVar aggregate classification (germline): Uncertain significance (1 of 4 stars; one submission).

Submission:

Women's Health and Genetics/Laboratory Corporation of America, LabCorp
Classification: Uncertain significance. Last evaluated: 2026-01-14. Review status: criteria provided, single submitter. Criteria: LabCorp Variant Classification Summary - May 2015. Collection method: clinical testing. Allele origin: germline.
Comment: Variant summary: MMUT c.260G>T (p.Gly87Val) results in a non-conservative amino acid change in the encoded protein sequence. Algorithms developed to predict the effect of missense changes on protein structure and function all suggest that this variant is likely to be disruptive. The variant was absent in 251478 control chromosomes. The available data on variant occurrences in the general population are insufficient to allow any conclusion about variant significance. To our knowledge, no occurrence of c.260G>T in individuals affected with MMUT-related conditions and no experimental evidence demonstrating its impact on protein function have been reported. No submitters have cited clinical-significance assessments for this variant to ClinVar. Based on the evidence outlined above, the variant was classified as uncertain significance.